The following is an entry in ClinVar:

NM_016239.4(MYO15A):c.1374C>G (p.Phe458Leu)

Gene: MYO15A (myosin XVA; plus strand). Cytogenetic location: 17p11.2.
Variant type: single nucleotide variant.
Coding change: c.1374C>G on transcript NM_016239.4 (MANE Select); coding-DNA position 1374, C replaced by G.
Protein change: p.Phe458Leu; replaces phenylalanine 458 with leucine.
Molecular consequence: missense variant.
Genome position (GRCh38, 1-based): chr17:18,120,174, C>G. VCF-style: chr17-18120174-C-G. GRCh37 (hg19) VCF-style: chr17-18023488-C-G.
Other names: short protein forms F458L.
Identifiers: ClinVar variation 1471556 (VCV001471556.5), dbSNP rs546359628, ClinGen allele CA288387065.

ClinVar aggregate classification (germline): Uncertain significance. Review status: criteria provided, multiple submitters, no conflicts (2 of 4 stars). 2 submissions from 2 submitters: Uncertain significance (2). Last evaluated 2022-02-10.

Allele frequency attached by ClinVar (database versions not stated): gnomAD 0.00002; gnomAD exomes 0.00002 and 0.00008; TOPMed 0.00003.
gnomAD v4.1: 113 of 1,612,798 alleles (0.007%); highest among the groups gnomAD compares: Non-Finnish European, 0.0092%; no homozygotes.

Submissions (2):

Labcorp Genetics (formerly Invitae), Labcorp
Classification: Uncertain significance. Last evaluated: 2022-02-10. Review status: criteria provided, single submitter. Criteria: Invitae Variant Classification Sherloc (09022015). Collection method: clinical testing. Allele origin: germline.
Comment: This sequence change replaces phenylalanine, which is neutral and non-polar, with leucine, which is neutral and non-polar, at codon 458 of the MYO15A protein (p.Phe458Leu). This variant is present in population databases (rs546359628, gnomAD 0.004%). This variant has not been reported in the literature in individuals affected with MYO15A-related conditions. Advanced modeling of protein sequence and biophysical properties (such as structural, functional, and spatial information, amino acid conservation, physicochemical variation, residue mobility, and thermodynamic stability) performed at Invitae indicates that this missense variant is not expected to disrupt MYO15A protein function. In summary, the available evidence is currently insufficient to determine the role of this variant in disease. Therefore, it has been classified as a Variant of Uncertain Significance.

GeneDx
Classification: Uncertain significance. Last evaluated: 2022-01-14. Review status: criteria provided, single submitter. Criteria: GeneDx Variant Classification Process June 2021. Collection method: clinical testing. Allele origin: germline. Affected: yes.
Comment: Not observed at significant frequency in large population cohorts (gnomAD); In silico analysis supports that this missense variant does not alter protein structure/function; Has not been previously published as pathogenic or benign to our knowledge